The following is an entry in ClinVar:

NM_144997.7(FLCN):c.1366G>A (p.Asp456Asn)

Gene: FLCN (folliculin; minus strand). Cytogenetic location: 17p11.2.
Variant type: single nucleotide variant.
Coding change: c.1366G>A on transcript NM_144997.7 (MANE Select); coding-DNA position 1366, G replaced by A.
Protein change: p.Asp456Asn; replaces aspartic acid 456 with asparagine.
Molecular consequence: missense variant.
Genome position (GRCh38, 1-based): chr17:17,215,251, C>T on the plus strand (G>A on the coding strand, the complement: FLCN is on the minus strand). VCF-style: chr17-17215251-C-T. GRCh37 (hg19) VCF-style: chr17-17118565-C-T.
Other names: c.1420G>A, p.Asp474Asn (NM_001353229.2); c.1366G>A, p.Asp456Asn (NM_001353230.2, NM_001353231.2); short protein forms D456N, D474N.
Identifiers: ClinVar variation 3702474 (VCV003702474.2).

ClinVar aggregate classification (germline): Uncertain significance (1 of 4 stars; one submission).

Conditions:
Birt-Hogg-Dube syndrome. Also called: Birt Hogg Dubé syndrome. Identifiers: Orphanet 122, MedGen C0346010, MONDO:0800444.

Submission:

Labcorp Genetics (formerly Invitae), Labcorp
Classification: Uncertain significance for Birt-Hogg-Dube syndrome. Last evaluated: 2024-02-20. Review status: criteria provided, single submitter. Criteria: Invitae Variant Classification Sherloc (09022015). Collection method: clinical testing. Allele origin: germline.
Comment: This sequence change replaces aspartic acid, which is acidic and polar, with asparagine, which is neutral and polar, at codon 456 of the FLCN protein (p.Asp456Asn). This variant is not present in population databases (gnomAD no frequency). This variant has not been reported in the literature in individuals affected with FLCN-related conditions. Advanced modeling of protein sequence and biophysical properties (such as structural, functional, and spatial information, amino acid conservation, physicochemical variation, residue mobility, and thermodynamic stability) performed at Invitae indicates that this missense variant is not expected to disrupt FLCN protein function with a negative predictive value of 80%. In summary, the available evidence is currently insufficient to determine the role of this variant in disease. Therefore, it has been classified as a Variant of Uncertain Significance.